The following is an entry in ClinVar:

NM_004484.4(GPC3):c.1516A>G (p.Ile506Val)

Gene: GPC3 (glypican 3; minus strand). Cytogenetic location: Xq26.2.
Variant type: single nucleotide variant.
Coding change: c.1516A>G on transcript NM_004484.4 (MANE Select); coding-DNA position 1516, A replaced by G.
Protein change: p.Ile506Val; replaces isoleucine 506 with valine.
Molecular consequence: missense variant.
Genome position (GRCh38, 1-based): chrX:133,596,497, T>C on the plus strand (A>G on the coding strand, the complement: GPC3 is on the minus strand). VCF-style: chrX-133596497-T-C. GRCh37 (hg19) VCF-style: chrX-132730525-T-C.
Other names: c.1585A>G, p.Ile529Val (NM_001164617.2); c.1468A>G, p.Ile490Val (NM_001164618.2); c.1354A>G, p.Ile452Val (NM_001164619.2); short protein forms I452V, I490V, I529V, I506V.
Identifiers: ClinVar variation 640214 (VCV000640214.11), dbSNP rs1603183279, ClinGen allele CA414700984.

ClinVar aggregate classification (germline): Uncertain significance (1 of 4 stars; one submission).

Conditions:
Wilms tumor 1 (WT1). Also called: Wilms tumor, somatic. Identifiers: Orphanet 654, MedGen CN033288, MONDO:0008679, OMIM 194070.

Submission:

Labcorp Genetics (formerly Invitae), Labcorp
Classification: Uncertain significance for Wilms tumor 1. Last evaluated: 2023-06-20. Review status: criteria provided, single submitter. Criteria: Invitae Variant Classification Sherloc (09022015). Collection method: clinical testing. Allele origin: germline.
Comment: This sequence change replaces isoleucine, which is neutral and non-polar, with valine, which is neutral and non-polar, at codon 506 of the GPC3 protein (p.Ile506Val). In summary, the available evidence is currently insufficient to determine the role of this variant in disease. Therefore, it has been classified as a Variant of Uncertain Significance. Advanced modeling of protein sequence and biophysical properties (such as structural, functional, and spatial information, amino acid conservation, physicochemical variation, residue mobility, and thermodynamic stability) performed at Invitae indicates that this missense variant is not expected to disrupt GPC3 protein function. ClinVar contains an entry for this variant (Variation ID: 640214). This variant has not been reported in the literature in individuals affected with GPC3-related conditions. This variant is not present in population databases (gnomAD no frequency).